The following is an entry in ClinVar:

NM_018180.3(DHX32):c.1307T>C (p.Ile436Thr)

Genes: BCCIP (BRCA2 and CDKN1A interacting protein; plus strand), DHX32 (DEAH-box helicase 32 (putative); minus strand). Cytogenetic location: 10q26.2.
Variant type: single nucleotide variant.
Coding change: c.1307T>C on transcript NM_018180.3 (MANE Select); coding-DNA position 1307, T replaced by C.
Protein change: p.Ile436Thr; replaces isoleucine 436 with threonine.
Molecular consequence: missense variant. On other transcripts: intron variant (1).
Genome position (GRCh38, 1-based): chr10:125,852,337, A>G on the plus strand (T>C on the coding strand, the complement: DHX32 is on the minus strand). VCF-style: chr10-125852337-A-G. GRCh37 (hg19) VCF-style: chr10-127540906-A-G.
Other names: c.851-788A>G (NM_016567.4); short protein forms I436T.
Identifiers: ClinVar variation 1928682 (VCV001928682.4), dbSNP rs748342353, ClinGen allele CA5739224.

ClinVar aggregate classification (germline): Uncertain significance (1 of 4 stars; one submission).

Allele frequency attached by ClinVar (database versions not stated): ExAC 0.00002; gnomAD exomes 0.00001; gnomAD 0.00003; TOPMed 0.00001.
gnomAD v4.1: 13 of 1,614,050 alleles (0.00081%); highest among the groups gnomAD compares: African/African-American, 0.004%; no homozygotes.

Submission:

Labcorp Genetics (formerly Invitae), Labcorp
Classification: Uncertain significance. Last evaluated: 2022-07-06. Review status: criteria provided, single submitter. Criteria: Invitae Variant Classification Sherloc (09022015). Collection method: clinical testing. Allele origin: germline.
Comment: This variant has not been reported in the literature in individuals affected with DHX32-related conditions. In summary, the available evidence is currently insufficient to determine the role of this variant in disease. Therefore, it has been classified as a Variant of Uncertain Significance. Algorithms developed to predict the effect of missense changes on protein structure and function are either unavailable or do not agree on the potential impact of this missense change (SIFT: "Deleterious"; PolyPhen-2: "Benign"; Align-GVGD: "Class C25"). This variant is present in population databases (rs748342353, gnomAD 0.006%). This sequence change replaces isoleucine, which is neutral and non-polar, with threonine, which is neutral and polar, at codon 436 of the DHX32 protein (p.Ile436Thr).